The following is an entry in ClinVar:

NM_031935.3(HMCN1):c.502G>T (p.Val168Leu)

Gene: HMCN1 (hemicentin 1; plus strand). Cytogenetic location: 1q31.1.
Variant type: single nucleotide variant.
Coding change: c.502G>T on transcript NM_031935.3 (MANE Select); coding-DNA position 502, G replaced by T.
Protein change: p.Val168Leu; replaces valine 168 with leucine.
Molecular consequence: missense variant.
Genome position (GRCh38, 1-based): chr1:185,865,744, G>T. VCF-style: chr1-185865744-G-T. GRCh37 (hg19) VCF-style: chr1-185834876-G-T.
Other names: short protein forms V168L.
Identifiers: ClinVar variation 1919017 (VCV001919017.5), dbSNP rs764567562, ClinGen allele CA343866941.

ClinVar aggregate classification (germline): Uncertain significance (1 of 4 stars; one submission).

Submission:

Labcorp Genetics (formerly Invitae), Labcorp
Classification: Uncertain significance. Last evaluated: 2022-09-23. Review status: criteria provided, single submitter. Criteria: Invitae Variant Classification Sherloc (09022015). Collection method: clinical testing. Allele origin: germline.
Comment: In summary, the available evidence is currently insufficient to determine the role of this variant in disease. Therefore, it has been classified as a Variant of Uncertain Significance. Algorithms developed to predict the effect of missense changes on protein structure and function are either unavailable or do not agree on the potential impact of this missense change (SIFT: "Deleterious"; PolyPhen-2: "Possibly Damaging"; Align-GVGD: "Class C0"). This variant has not been reported in the literature in individuals affected with HMCN1-related conditions. The frequency data for this variant in the population databases is considered unreliable, as metrics indicate poor data quality at this position in the gnomAD database. This sequence change replaces valine, which is neutral and non-polar, with leucine, which is neutral and non-polar, at codon 168 of the HMCN1 protein (p.Val168Leu).